The following is an entry in ClinVar:

ClinVar aggregate classification (germline): Benign (1 of 4 stars; one submission).

Conditions:
Congenital muscular hypertrophy-cerebral syndrome (CDLS2). Also called: Cornelia de Lange syndrome 2; SMC1A-Related Cornelia de Lange Syndrome. Identifiers: Orphanet 199, MedGen C1802395, MONDO:0010370, OMIM 300590.

Allele frequency attached by ClinVar (database versions not stated): gnomAD 0.00906 and 0.00991; 1000 Genomes Project 0.01033; TOPMed 0.01055; 1000 Genomes Project 30x 0.01145.

Submission:

Illumina Laboratory Services, Illumina
Classification: Benign for Congenital muscular hypertrophy-cerebral syndrome. Last evaluated: 2018-01-13. Review status: criteria provided, single submitter. Criteria: ICSL Variant Classification Criteria 13 December 2019. Collection method: clinical testing. Allele origin: germline.
Comment: This variant was observed in the ICSL laboratory as part of a predisposition screen in an ostensibly healthy population. It had not been previously curated by ICSL or reported in the Human Gene Mutation Database (HGMD: prior to June 1st, 2018), and was therefore a candidate for classification through an automated scoring system. Utilizing variant allele frequency, disease prevalence and penetrance estimates, and inheritance mode, an automated score was calculated to assess if this variant is too frequent to cause the disease. Based on the score and internal cut-off values, a variant classified as benign is not then subjected to further curation. The score for this variant resulted in a classification of benign for this disease.

NM_006306.4(SMC1A):c.*2423G>A

Gene: SMC1A (structural maintenance of chromosomes 1A; minus strand). Cytogenetic location: Xp11.22.
Variant type: single nucleotide variant.
Coding change: c.*2423G>A on transcript NM_006306.4 (MANE Select); 2423 bases downstream of the stop codon, G replaced by A.
Molecular consequence: 3 prime UTR variant.
Genome position (GRCh38, 1-based): chrX:53,377,680, C>T on the plus strand (G>A on the coding strand, the complement: SMC1A is on the minus strand). VCF-style: chrX-53377680-C-T. GRCh37 (hg19) VCF-style: chrX-53404601-C-T.
Other names: c.*2423G>A (NM_001281463.1).
Identifiers: ClinVar variation 368573 (VCV000368573.5), dbSNP rs147324052, ClinGen allele CA10646324.